The following is an entry in ClinVar:

NM_138817.3(SLC7A13):c.1273G>A (p.Val425Met)

Gene: SLC7A13 (solute carrier family 7 member 13; minus strand). Cytogenetic location: 8q21.3.
Variant type: single nucleotide variant.
Coding change: c.1273G>A on transcript NM_138817.3 (MANE Select); coding-DNA position 1273, G replaced by A.
Protein change: p.Val425Met; replaces valine 425 with methionine.
Molecular consequence: missense variant.
Genome position (GRCh38, 1-based): chr8:86,214,553, C>T on the plus strand (G>A on the coding strand, the complement: SLC7A13 is on the minus strand). VCF-style: chr8-86214553-C-T. GRCh37 (hg19) VCF-style: chr8-87226782-C-T.
Other names: c.1273G>A (NM_138817.2); short protein forms V425M.
Identifiers: ClinVar variation 3709828 (VCV003709828.3).
Genomic context (GRCh38, chr8:86,214,553, plus strand): 5'-TTATTTTAAAATGTATTAAAGGTATGTAAAATAGTAATCCGCTGAGAACTAACAGAAGCA[C>T]GTAGACATAATGCACATTTGGAGACTTTACCAATGGTATCACAACCAAGCCCACGTCGAT-3'
Protein context (NP_620172.2, residues 415-435): VKSPNVHYVY[Val425Met]LLLVLSGLLF

ClinVar aggregate classification (germline): Uncertain significance. Review status: criteria provided, multiple submitters, no conflicts (2 of 4 stars). 2 submissions from 2 submitters: Uncertain significance (2). Last evaluated 2025-12-16.

gnomAD v4.1: 75 of 1,613,430 alleles (0.0046%); highest among the groups gnomAD compares: Middle Eastern, 0.016%; no homozygotes.

Submissions (2):

Labcorp Genetics (formerly Invitae), Labcorp
Classification: Uncertain significance. Last evaluated: 2025-12-16. Review status: criteria provided, single submitter. Criteria: Invitae Variant Classification Sherloc (09022015). Collection method: clinical testing. Allele origin: germline.
Comment: This sequence change replaces valine, which is neutral and non-polar, with methionine, which is neutral and non-polar, at codon 425 of the SLC7A13 protein (p.Val425Met). This variant is present in population databases (rs760615851, gnomAD 0.006%). This variant has not been reported in the literature in individuals affected with SLC7A13-related conditions. ClinVar contains an entry for this variant (Variation ID: 3709828). An algorithm developed to predict the effect of missense changes on protein structure and function (PolyPhen-2) suggests that this variant is likely to be tolerated. In summary, the available evidence is currently insufficient to determine the role of this variant in disease. Therefore, it has been classified as a Variant of Uncertain Significance.

Ambry Genetics
Classification: Uncertain significance. Last evaluated: 2025-08-23. Review status: criteria provided, single submitter. Criteria: Ambry Variant Classification Scheme 2023. Collection method: clinical testing. Allele origin: germline.